The following is an entry in ClinVar:

ClinVar aggregate classification (germline): Uncertain significance. Review status: criteria provided, multiple submitters, no conflicts (2 of 4 stars). 2 submissions from 2 submitters: Uncertain significance (2). Last evaluated 2023-04-18.

Conditions:
Coffin-Siris syndrome 1 (CSS1). Also called: ARID1B-Related Coffin-Siris Syndrome; Mental retardation, autosomal dominant 12. Identifiers: Orphanet 1465, MedGen C3281201, MONDO:0007617, OMIM 135900. Disease mechanism: gain of function.

Submissions (2):

Labcorp Genetics (formerly Invitae), Labcorp
Classification: Uncertain significance. Last evaluated: 2023-04-18. Review status: criteria provided, single submitter. Criteria: Invitae Variant Classification Sherloc (09022015). Collection method: clinical testing. Allele origin: germline.
Comment: In summary, the available evidence is currently insufficient to determine the role of this variant in disease. Therefore, it has been classified as a Variant of Uncertain Significance. An algorithm developed to predict the effect of missense changes on protein structure and function (PolyPhen-2) suggests that this variant is likely to be tolerated. ClinVar contains an entry for this variant (Variation ID: 2439184). This variant has not been reported in the literature in individuals affected with ARID1B-related conditions. The frequency data for this variant in the population databases is considered unreliable, as metrics indicate insufficient coverage at this position in the gnomAD database. This sequence change replaces proline, which is neutral and non-polar, with leucine, which is neutral and non-polar, at codon 450 of the ARID1B protein (p.Pro450Leu).

Revvity Omics, Revvity
Classification: Uncertain significance for Coffin-Siris syndrome 1. Last evaluated: 2021-01-19. Review status: criteria provided, single submitter. Criteria: ACMG Guidelines, 2015. Collection method: clinical testing. Allele origin: germline.

NM_001374828.1(ARID1B):c.1598C>T (p.Pro533Leu)

Gene: ARID1B (AT-rich interaction domain 1B; plus strand). Cytogenetic location: 6q25.3.
Variant type: single nucleotide variant.
Coding change: c.1598C>T on transcript NM_001374828.1 (MANE Select); coding-DNA position 1598, C replaced by T.
Protein change: p.Pro533Leu; replaces proline 533 with leucine.
Molecular consequence: missense variant.
Genome position (GRCh38, 1-based): chr6:156,779,278, C>T. VCF-style: chr6-156779278-C-T. GRCh37 (hg19) VCF-style: chr6-157100412-C-T.
Other names: c.1349C>T, p.Pro450Leu (NM_001346813.1, NM_020732.3); c.1598C>T, p.Pro533Leu (NM_001371656.1, NM_001374820.1, NM_017519.3); c.1175C>T, p.Pro392Leu (NM_175863.2); short protein forms P392L, P450L, P533L.
Identifiers: ClinVar variation 2439184 (VCV002439184.5), dbSNP rs1778998112, ClinGen allele CA366385067.